The following is an entry in ClinVar:

ClinVar aggregate classification (germline): Uncertain significance (1 of 4 stars; one submission).

Conditions:
Combined immunodeficiency due to DOCK8 deficiency (HIES2). Also called: Hyper-IgE recurrent infection syndrome, autosomal recessive; HIES autosomal recessive; HYPER-IgE RECURRENT INFECTION SYNDROME 2, AUTOSOMAL RECESSIVE; HYPER-IgE SYNDROME 2, AUTOSOMAL RECESSIVE, WITH RECURRENT INFECTIONS; DOCK8 Deficiency. Identifiers: Orphanet 217390, MedGen C4722305, MONDO:0009478, OMIM 243700.

Submission:

Labcorp Genetics (formerly Invitae), Labcorp
Classification: Uncertain significance for Combined immunodeficiency due to DOCK8 deficiency. Last evaluated: 2021-05-13. Review status: criteria provided, single submitter. Criteria: Invitae Variant Classification Sherloc (09022015). Collection method: clinical testing. Allele origin: germline.
Comment: In summary, the available evidence is currently insufficient to determine the role of this variant in disease. Therefore, it has been classified as a Variant of Uncertain Significance. Algorithms developed to predict the effect of missense changes on protein structure and function are either unavailable or do not agree on the potential impact of this missense change (SIFT: "Tolerated"; PolyPhen-2: "Probably Damaging"; Align-GVGD: "Class C0"). This variant has not been reported in the literature in individuals with DOCK8-related conditions. This variant is not present in population databases (ExAC no frequency). This sequence change replaces glutamic acid with aspartic acid at codon 1030 of the DOCK8 protein (p.Glu1030Asp). The glutamic acid residue is highly conserved and there is a small physicochemical difference between glutamic acid and aspartic acid.

NM_203447.4(DOCK8):c.3090A>T (p.Glu1030Asp)

Gene: DOCK8 (dedicator of cytokinesis 8; plus strand). Cytogenetic location: 9p24.3.
Variant type: single nucleotide variant.
Coding change: c.3090A>T on transcript NM_203447.4 (MANE Select); coding-DNA position 3090, A replaced by T.
Protein change: p.Glu1030Asp; replaces glutamic acid 1030 with aspartic acid.
Molecular consequence: missense variant.
Genome position (GRCh38, 1-based): chr9:396,904, A>T. VCF-style: chr9-396904-A-T. GRCh37 (hg19) VCF-style: chr9-396904-A-T.
Other names: c.2790A>T, p.Glu930Asp (NM_001190458.2); c.2886A>T, p.Glu962Asp (NM_001193536.2); short protein forms E930D, E1030D, E962D.
Identifiers: ClinVar variation 844163 (VCV000844163.10), dbSNP rs2054488576, ClinGen allele CA372753090.